The following is an entry in ClinVar:

NM_020911.2(PLXNA4):c.5542A>G (p.Ser1848Gly)

Gene: PLXNA4 (plexin A4; minus strand). Cytogenetic location: 7q32.3.
Variant type: single nucleotide variant.
Coding change: c.5542A>G on transcript NM_020911.2 (MANE Select); coding-DNA position 5542, A replaced by G.
Protein change: p.Ser1848Gly; replaces serine 1848 with glycine.
Molecular consequence: missense variant.
Genome position (GRCh38, 1-based): chr7:132,133,096, T>C on the plus strand (A>G on the coding strand, the complement: PLXNA4 is on the minus strand). VCF-style: chr7-132133096-T-C. GRCh37 (hg19) VCF-style: chr7-131817855-T-C.
Other names: c.5542A>G, p.Ser1848Gly (NM_001393897.1); short protein forms S1848G.
Identifiers: ClinVar variation 5001853 (VCV005001853.1).

ClinVar aggregate classification (germline): Uncertain significance (1 of 4 stars; one submission).

Conditions:
PLXNA4-related disorder. Also called: PLXNA4-related condition.

gnomAD v4.1: 12 of 1,614,090 alleles (0.00074%); highest among the groups gnomAD compares: Non-Finnish European, 0.00085%; no homozygotes.

Submission:

PreventionGenetics, part of Exact Sciences
Classification: Uncertain significance for PLXNA4-related condition. Last evaluated: 2025-07-15. Review status: criteria provided, single submitter. Criteria: ACMG Guidelines, 2015. Collection method: clinical testing. Allele origin: germline.
Comment: The PLXNA4 c.5542A>G variant is predicted to result in the amino acid substitution p.Ser1848Gly. To our knowledge, this variant has not been reported in the literature or in a large population database (gnomAD), indicating this variant is rare. At this time, the clinical significance of this variant is uncertain due to the absence of conclusive functional and genetic evidence.